The following is an entry in ClinVar:

ClinVar aggregate classification (germline): Uncertain significance (1 of 4 stars; one submission).

Allele frequency attached by ClinVar (database versions not stated): gnomAD exomes 0.00002 and 0.00004; TOPMed 0.00002; gnomAD 0.00004 and 0.00005; ExAC 0.00005.
gnomAD v4.1: 38 of 1,606,668 alleles (0.0024%); highest among the groups gnomAD compares: South Asian, 0.0056%; no homozygotes.

Submission:

Labcorp Genetics (formerly Invitae), Labcorp
Classification: Uncertain significance. Last evaluated: 2022-07-19. Review status: criteria provided, single submitter. Criteria: Invitae Variant Classification Sherloc (09022015). Collection method: clinical testing. Allele origin: germline.
Comment: In summary, the available evidence is currently insufficient to determine the role of this variant in disease. Therefore, it has been classified as a Variant of Uncertain Significance. Algorithms developed to predict the effect of missense changes on protein structure and function output the following: SIFT: "Tolerated"; PolyPhen-2: "Benign"; Align-GVGD: "Class C0". The serine amino acid residue is found in multiple mammalian species, which suggests that this missense change does not adversely affect protein function. ClinVar contains an entry for this variant (Variation ID: 1463583). This variant has not been reported in the literature in individuals affected with C7-related conditions. This variant is present in population databases (rs776782605, gnomAD 0.02%). This sequence change replaces asparagine, which is neutral and polar, with serine, which is neutral and polar, at codon 145 of the C7 protein (p.Asn145Ser).

NM_000587.4(C7):c.434A>G (p.Asn145Ser)

Gene: C7 (complement C7; plus strand). Cytogenetic location: 5p13.1.
Variant type: single nucleotide variant.
Coding change: c.434A>G on transcript NM_000587.4 (MANE Select); coding-DNA position 434, A replaced by G.
Protein change: p.Asn145Ser; replaces asparagine 145 with serine.
Molecular consequence: missense variant.
Genome position (GRCh38, 1-based): chr5:40,937,557, A>G. VCF-style: chr5-40937557-A-G. GRCh37 (hg19) VCF-style: chr5-40937659-A-G.
Other names: short protein forms N145S.
Identifiers: ClinVar variation 1463583 (VCV001463583.6), dbSNP rs776782605, ClinGen allele CA3249658.